The following is an entry in ClinVar:

NM_002224.4(ITPR3):c.5421C>T (p.Asn1807=)

Gene: ITPR3 (inositol 1,4,5-trisphosphate receptor type 3; plus strand). Cytogenetic location: 6p21.31.
Variant type: single nucleotide variant.
Coding change: c.5421C>T on transcript NM_002224.4 (MANE Select); coding-DNA position 5421, C replaced by T.
Protein change: p.Asn1807=; no amino-acid change (asparagine 1807 retained).
Molecular consequence: synonymous variant.
Genome position (GRCh38, 1-based): chr6:33,685,472, C>T. VCF-style: chr6-33685472-C-T. GRCh37 (hg19) VCF-style: chr6-33653249-C-T.
Identifiers: ClinVar variation 3047253 (VCV003047253.2), dbSNP rs369360668, ClinGen allele CA3761553.

ClinVar aggregate classification (germline): Likely benign (0 of 4 stars; one submission).

Conditions:
ITPR3-related disorder. Also called: ITPR3-related condition.

Allele frequency attached by ClinVar (database versions not stated): gnomAD exomes 0.00009; ExAC 0.00026; 1000 Genomes Project 30x 0.00078; 1000 Genomes Project 0.00100.
gnomAD v4.1: 169 of 1,613,822 alleles (0.01%); highest among the groups gnomAD compares: South Asian, 0.13%; 2 homozygotes.

Submission:

PreventionGenetics, part of Exact Sciences
Classification: Likely benign for ITPR3-related condition. Last evaluated: 2019-04-05. Review status: no assertion criteria provided. Collection method: clinical testing. Allele origin: germline.
Comment: This variant is classified as likely benign based on ACMG/AMP sequence variant interpretation guidelines (Richards et al. 2015 PMID: 25741868, with internal and published modifications).